The following is an entry in ClinVar:

NM_000321.3(RB1):c.2310G>A (p.Gln770=)

Gene: RB1 (RB transcriptional corepressor 1; plus strand). Cytogenetic location: 13q14.2.
Variant type: single nucleotide variant.
Coding change: c.2310G>A on transcript NM_000321.3 (MANE Select); coding-DNA position 2310, G replaced by A.
Protein change: p.Gln770=; no amino-acid change (glutamine 770 retained).
Molecular consequence: synonymous variant.
Genome position (GRCh38, 1-based): chr13:48,465,096, G>A. VCF-style: chr13-48465096-G-A. GRCh37 (hg19) VCF-style: chr13-49039232-G-A.
Identifiers: ClinVar variation 1097686 (VCV001097686.35), dbSNP rs777040395, ClinGen allele CA035122.

ClinVar aggregate classification (germline): Benign/Likely benign. Review status: criteria provided, multiple submitters, no conflicts (2 of 4 stars). 4 submissions from 4 submitters: Benign (1); Likely benign (3). Last evaluated 2026-06-25.

Conditions:
Hereditary cancer-predisposing syndrome. Also called: Neoplastic Syndromes, Hereditary; Tumor predisposition; Hereditary neoplastic syndrome; Hereditary Cancer Syndrome. Identifiers: Orphanet 140162, MedGen C0027672, MeSH D009386, MONDO:0015356.
Retinoblastoma (RB1). Also called: RETINOBLASTOMA, SOMATIC. Identifiers: Orphanet 790, MedGen C0035335, MeSH D012175, MONDO:0008380, OMIM 180200, HP:0009919. Disease mechanism: loss of function. Inheritance: Both sporadic and heritable forms are tested..

Allele frequency attached by ClinVar (database versions not stated): gnomAD exomes below 0.00001; ExAC 0.00001.
gnomAD v4.1: 3 of 1,611,338 alleles (0.00019%); highest among the groups gnomAD compares: Middle Eastern, 0.017%; no homozygotes.

Submissions (4):

Myriad Genetics, Inc.
Classification: Benign for Retinoblastoma. Last evaluated: 2026-06-25. Review status: criteria provided, single submitter. Criteria: Myriad Autosomal Dominant, Autosomal Recessive and X-Linked Classification Criteria (2023). Collection method: clinical testing. Allele origin: unknown.
Comment: This variant is considered benign. This variant is a silent/synonymous amino acid change and it is not expected to impact splicing.

Labcorp Genetics (formerly Invitae), Labcorp
Classification: Likely benign for Retinoblastoma. Last evaluated: 2026-02-01. Review status: criteria provided, single submitter. Criteria: Invitae Variant Classification Sherloc (09022015). Collection method: clinical testing. Allele origin: germline.

CeGaT Center for Human Genetics Tuebingen
Classification: Likely benign. Last evaluated: 2022-11-01. Review status: criteria provided, single submitter. Criteria: CeGaT Center For Human Genetics Tuebingen Variant Classification Criteria Version 2. Collection method: clinical testing. Allele origin: germline. Affected: yes. Observed: 1 variant allele.
Comment: RB1: BP4, BP7

Ambry Genetics
Classification: Likely benign for Hereditary cancer-predisposing syndrome. Last evaluated: 2021-08-16. Review status: criteria provided, single submitter. Criteria: Ambry Variant Classification Scheme 2023. Collection method: clinical testing. Allele origin: germline.